The following is an entry in ClinVar:

ClinVar aggregate classification (germline): Uncertain significance (1 of 4 stars; one submission).

Conditions:
Developmental and epileptic encephalopathy, 42 (DEE42A). Also called: Epileptic encephalopathy, early infantile, 42; DEVELOPMENTAL AND EPILEPTIC ENCEPHALOPATHY 42A; EPILEPTIC ENCEPHALOPATHY, EARLY INFANTILE, 42A. Identifiers: MedGen C4310716, MONDO:0014917, OMIM 617106.
Episodic ataxia type 2 (EA2). Also called: EPISODIC ATAXIA, NYSTAGMUS-ASSOCIATED; ACETAZOLAMIDE-RESPONSIVE HEREDITARY PAROXYSMAL CEREBELLAR ATAXIA; ATAXIA, EPISODIC, WITH NYSTAGMUS; ATAXIA, FAMILIAL PAROXYSMAL; CEREBELLAR ATAXIA, PAROXYSMAL, ACETAZOLAMIDE-RESPONSIVE; CEREBELLOPATHY, HEREDITARY PAROXYSMAL. Identifiers: Orphanet 97, MedGen C1720416, MONDO:0007163, OMIM 108500.

Submission:

Labcorp Genetics (formerly Invitae), Labcorp
Classification: Uncertain significance for Developmental and epileptic encephalopathy, 42; Episodic ataxia type 2. Last evaluated: 2025-03-27. Review status: criteria provided, single submitter. Criteria: Invitae Variant Classification Sherloc (09022015). Collection method: clinical testing. Allele origin: germline.
Comment: This sequence change replaces alanine, which is neutral and non-polar, with proline, which is neutral and non-polar, at codon 1700 of the CACNA1A protein (p.Ala1700Pro). This variant is not present in population databases (gnomAD no frequency). This variant has not been reported in the literature in individuals affected with CACNA1A-related conditions. ClinVar contains an entry for this variant (Variation ID: 1380836). Invitae Evidence Modeling of protein sequence and biophysical properties (such as structural, functional, and spatial information, amino acid conservation, physicochemical variation, residue mobility, and thermodynamic stability) indicates that this missense variant is expected to disrupt CACNA1A protein function with a positive predictive value of 95%. In summary, the available evidence is currently insufficient to determine the role of this variant in disease. Therefore, it has been classified as a Variant of Uncertain Significance.

NM_001127222.2(CACNA1A):c.5095G>C (p.Ala1699Pro)

Gene: CACNA1A (calcium voltage-gated channel subunit alpha1 A; minus strand). Cytogenetic location: 19p13.13.
Variant type: single nucleotide variant.
Coding change: c.5095G>C on transcript NM_001127222.2 (MANE Select); coding-DNA position 5095, G replaced by C.
Protein change: p.Ala1699Pro; replaces alanine 1699 with proline.
Molecular consequence: missense variant.
Genome position (GRCh38, 1-based): chr19:13,235,247, C>G on the plus strand (G>C on the coding strand, the complement: CACNA1A is on the minus strand). VCF-style: chr19-13235247-C-G. GRCh37 (hg19) VCF-style: chr19-13346061-C-G.
Other names: c.5113G>C, p.Ala1705Pro (NM_000068.4, NM_023035.3); c.5098G>C, p.Ala1700Pro (NM_001127221.2); c.5104G>C, p.Ala1702Pro (NM_001174080.2); short protein forms A1699P, A1700P, A1702P, A1705P.
Identifiers: ClinVar variation 1380836 (VCV001380836.6), dbSNP rs371273055, ClinGen allele CA404335886.